The following is an entry in ClinVar:

NM_032888.4(COL27A1):c.419G>A (p.Gly140Glu)

Gene: COL27A1 (collagen type XXVII alpha 1 chain; plus strand). Cytogenetic location: 9q32.
Variant type: single nucleotide variant.
Coding change: c.419G>A on transcript NM_032888.4 (MANE Select); coding-DNA position 419, G replaced by A.
Protein change: p.Gly140Glu; replaces glycine 140 with glutamic acid.
Molecular consequence: missense variant.
Genome position (GRCh38, 1-based): chr9:114,167,974, G>A. VCF-style: chr9-114167974-G-A. GRCh37 (hg19) VCF-style: chr9-116930254-G-A.
Other names: short protein forms G140E.
Identifiers: ClinVar variation 3668464 (VCV003668464.2).

ClinVar aggregate classification (germline): Uncertain significance (1 of 4 stars; one submission).

Submission:

Labcorp Genetics (formerly Invitae), Labcorp
Classification: Uncertain significance. Last evaluated: 2024-06-30. Review status: criteria provided, single submitter. Criteria: Invitae Variant Classification Sherloc (09022015). Collection method: clinical testing. Allele origin: germline.
Comment: This sequence change replaces glycine, which is neutral and non-polar, with glutamic acid, which is acidic and polar, at codon 140 of the COL27A1 protein (p.Gly140Glu). This variant is not present in population databases (gnomAD no frequency). This variant has not been reported in the literature in individuals affected with COL27A1-related conditions. Advanced modeling of protein sequence and biophysical properties (such as structural, functional, and spatial information, amino acid conservation, physicochemical variation, residue mobility, and thermodynamic stability) performed at Invitae indicates that this missense variant is not expected to disrupt COL27A1 protein function with a negative predictive value of 95%. In summary, the available evidence is currently insufficient to determine the role of this variant in disease. Therefore, it has been classified as a Variant of Uncertain Significance.